The following is an entry in ClinVar:

ClinVar aggregate classification (germline): Uncertain significance. Review status: criteria provided, multiple submitters, no conflicts (2 of 4 stars). 4 submissions from 4 submitters: Uncertain significance (4). Last evaluated 2025-12-19.

Conditions:
Catecholaminergic polymorphic ventricular tachycardia (CVPT). Also called: Catecholamine-induced polymorphic ventricular tachycardia. Identifiers: Orphanet 3286, MedGen C5574922, MONDO:0017990.
Cardiomyopathy (CMYO). Also called: Cardiomyopathies. Identifiers: Orphanet 167848, MedGen C0878544, MONDO:0004994, HP:0001638. Inheritance: Various modes of inheritance.
Catecholaminergic polymorphic ventricular tachycardia 1. Also called: VENTRICULAR TACHYCARDIA, CATECHOLAMINERGIC POLYMORPHIC, 1, WITH OR WITHOUT ATRIAL DYSFUNCTION AND/OR DILATED CARDIOMYOPATHY; RYR2-Related Catecholaminergic Polymorphic Ventricular Tachycardia; VENTRICULAR TACHYCARDIA, STRESS-INDUCED POLYMORPHIC 1. Identifiers: Orphanet 3286, MedGen C1631597, MONDO:0011484, OMIM 604772.

Allele frequency attached by ClinVar (database versions not stated): gnomAD 0.00001; gnomAD exomes 0.00002; TOPMed 0.00002; ExAC 0.00003.
gnomAD v4.1: 9 of 1,613,576 alleles (0.00056%); highest among the groups gnomAD compares: Admixed American, 0.0083%; no homozygotes.

Submissions (4):

Labcorp Genetics (formerly Invitae), Labcorp
Classification: Uncertain significance for Catecholaminergic polymorphic ventricular tachycardia 1. Last evaluated: 2025-12-19. Review status: criteria provided, single submitter. Criteria: Invitae Variant Classification Sherloc (09022015). Collection method: clinical testing. Allele origin: germline.
Comment: This sequence change replaces glutamic acid, which is acidic and polar, with lysine, which is basic and polar, at codon 4082 of the RYR2 protein (p.Glu4082Lys). This variant is present in population databases (rs774241742, gnomAD 0.009%). This variant has not been reported in the literature in individuals affected with RYR2-related conditions. ClinVar contains an entry for this variant (Variation ID: 921372). Invitae Evidence Modeling of protein sequence and biophysical properties (such as structural, functional, and spatial information, amino acid conservation, physicochemical variation, residue mobility, and thermodynamic stability) indicates that this missense variant is not expected to disrupt RYR2 protein function with a negative predictive value of 95%. In summary, the available evidence is currently insufficient to determine the role of this variant in disease. Therefore, it has been classified as a Variant of Uncertain Significance.

Women's Health and Genetics/Laboratory Corporation of America, LabCorp
Classification: Uncertain significance. Last evaluated: 2025-07-17. Review status: criteria provided, single submitter. Criteria: LabCorp Variant Classification Summary - May 2015. Collection method: clinical testing. Allele origin: germline.
Comment: Variant summary: RYR2 c.12244G>A (p.Glu4082Lys) results in a conservative amino acid change in the encoded protein sequence. Algorithms developed to predict the effect of missense changes on protein structure and function are either unavailable or do not agree on the potential impact of this missense change. The variant allele was found at a frequency of 1.6e-05 in 247408 control chromosomes, predominantly at a frequency of 8.7e-05 within the Latino subpopulation in the gnomAD database. The available data on variant occurrences in the general population are insufficient to allow any conclusion about variant significance. c.12244G>A has been observed in individual(s) affected with Catecholaminergic Polymorphic Ventricular Tachycardia, without strong evidence for causality (Landstrom_2018). These report(s) do not provide unequivocal conclusions about association of the variant with Catecholaminergic Polymorphic Ventricular Tachycardia. To our knowledge, no experimental evidence demonstrating an impact on protein function has been reported. The following publication has been ascertained in the context of this evaluation (PMID: 28404607). ClinVar contains an entry for this variant (Variation ID: 921372). Based on the evidence outlined above, the variant was classified as uncertain significance.

All of Us Research Program, National Institutes of Health
Classification: Uncertain significance for Catecholaminergic polymorphic ventricular tachycardia. Last evaluated: 2024-09-23. Review status: criteria provided, single submitter. Criteria: ACMG Guidelines, 2015. Collection method: clinical testing. Allele origin: germline. Inheritance: Autosomal dominant inheritance. Observed: 8 variant alleles, 8 heterozygotes.
Comment: This missense variant replaces glutamic acid with lysine at codon 4082 of the RYR2 protein. Computational prediction tools and conservation analyses suggest that this variant may have deleterious impact on protein structure and function. Splice site prediction tools suggest that this variant may not impact RNA splicing. To our knowledge, functional studies have not been performed for this variant. This variant has not been reported in individuals affected with cardiovascular disorders in the literature. This variant has been identified in 4/247408 chromosomes in the general population by the Genome Aggregation Database (gnomAD). The available evidence is insufficient to determine the role of this variant in disease conclusively. Therefore, this variant is classified as a Variant of Uncertain Significance.

This study involves interpretation of variants in research participants for the purpose of population health screening. Participant phenotype was not available at the time of variant classification. Additional details can be found in publication PMID: 35346344, PMCID: PMC8962531

Color Diagnostics, LLC DBA Color Health
Classification: Uncertain significance for Cardiomyopathy. Last evaluated: 2024-05-02. Review status: criteria provided, single submitter. Criteria: ACMG Guidelines, 2015. Collection method: clinical testing. Allele origin: germline.
Comment: This missense variant replaces glutamic acid with lysine at codon 4082 of the RYR2 protein. Computational prediction is inconclusive regarding the impact of this variant on protein structure and function (internally defined REVEL score threshold 0.5 < inconclusive < 0.7, PMID: 27666373). To our knowledge, functional studies have not been reported for this variant. This variant has not been reported in individuals affected with RYR2-related disorders in the literature. This variant has been identified in 4/247408 chromosomes in the general population by the Genome Aggregation Database (gnomAD). The available evidence is insufficient to determine the role of this variant in disease conclusively. Therefore, this variant is classified as a Variant of Uncertain Significance.

Literature cited by the submitters: PubMed 28404607 (cited by Women's Health and Genetics/Laboratory Corporation of America, LabCorp).

NM_001035.3(RYR2):c.12244G>A (p.Glu4082Lys)

Gene: RYR2 (ryanodine receptor 2; plus strand). Cytogenetic location: 1q43.
Variant type: single nucleotide variant.
Coding change: c.12244G>A on transcript NM_001035.3 (MANE Select); coding-DNA position 12244, G replaced by A.
Protein change: p.Glu4082Lys; replaces glutamic acid 4082 with lysine.
Molecular consequence: missense variant.
Genome position (GRCh38, 1-based): chr1:237,783,956, G>A. VCF-style: chr1-237783956-G-A. GRCh37 (hg19) VCF-style: chr1-237947256-G-A.
Other names: short protein forms E4082K.
Identifiers: ClinVar variation 921372 (VCV000921372.15), dbSNP rs774241742, ClinGen allele CA085157.